The following is an entry in ClinVar:

ClinVar aggregate classification (germline): Uncertain significance (1 of 4 stars; one submission).

Submission:

Labcorp Genetics (formerly Invitae), Labcorp
Classification: Uncertain significance. Last evaluated: 2020-09-15. Review status: criteria provided, single submitter. Criteria: Invitae Variant Classification Sherloc (09022015). Collection method: clinical testing. Allele origin: germline.
Comment: In summary, the available evidence is currently insufficient to determine the role of this variant in disease. Therefore, it has been classified as a Variant of Uncertain Significance. Experimental studies and prediction algorithms are not available or were not evaluated, and the functional significance of this variant is currently unknown. This variant has not been reported in the literature in individuals with P3H2-related conditions. This variant is not present in population databases (ExAC no frequency). This variant, c.1819_1821del, results in the deletion of 1 amino acid(s) of the P3H2 protein (p.Ala607del), but otherwise preserves the integrity of the reading frame.

NM_018192.4(P3H2):c.1819_1821del (p.Ala607del)

Gene: P3H2 (prolyl 3-hydroxylase 2; minus strand). Cytogenetic location: 3q28.
Variant type: Deletion.
Coding change: c.1819_1821del on transcript NM_018192.4 (MANE Select); coding-DNA positions 1819 to 1821, 3 bases deleted (GCT; older notation c.1819_1821delGCT).
Protein change: p.Ala607del; deletes alanine 607.
Molecular consequence: inframe deletion.
Genome position (GRCh38, 1-based): chr3:189,970,888-189,970,890, AGC deleted on the plus strand (GCT on the coding strand, the reverse complement: P3H2 is on the minus strand); deleting any 3 consecutive bases within chr3:189,970,888-189,970,891 gives the same sequence; the c. name uses the placement nearest the transcript's 3' end. VCF-style (leftmost placement, unchanged base first): chr3-189970887-GAGC-G. GRCh37 (hg19) VCF-style: chr3-189688676-GAGC-G.
Other names: c.1276_1278del, p.Ala426del (NM_001134418.2); short protein forms A426del, A607del.
Identifiers: ClinVar variation 1037622 (VCV001037622.5), dbSNP rs1723157832, ClinGen allele CA1428586570.